The following is an entry in ClinVar:

NM_001458.5(FLNC):c.2368G>A (p.Asp790Asn)

Gene: FLNC (filamin C; plus strand). Cytogenetic location: 7q32.1.
Variant type: single nucleotide variant.
Coding change: c.2368G>A on transcript NM_001458.5 (MANE Select); coding-DNA position 2368, G replaced by A.
Protein change: p.Asp790Asn; replaces aspartic acid 790 with asparagine.
Molecular consequence: missense variant.
Genome position (GRCh38, 1-based): chr7:128,842,677, G>A. VCF-style: chr7-128842677-G-A. GRCh37 (hg19) VCF-style: chr7-128482731-G-A.
Other names: c.2368G>A, p.Asp790Asn (NM_001127487.2); short protein forms D790N.
Identifiers: ClinVar variation 2934205 (VCV002934205.3), dbSNP rs2536631588, ClinGen allele CA369191371.

ClinVar aggregate classification (germline): Uncertain significance (1 of 4 stars; one submission).

Conditions:
Myofibrillar myopathy 5. Also called: Filaminopathy (type); FILAMINOPATHY, AUTOSOMAL DOMINANT. Identifiers: Orphanet 171445, MedGen C1836050, MONDO:0012289, OMIM 609524.
Distal myopathy with posterior leg and anterior hand involvement. Also called: WILLIAMS DISTAL MYOPATHY. Identifiers: Orphanet 63273, MedGen C3279722, MONDO:0013550, OMIM 614065.
Hypertrophic cardiomyopathy 26. Also called: Cardiomyopathy, familial hypertrophic, 26. Identifiers: Orphanet 75249, MedGen C4310749, MONDO:0014883, OMIM 617047.

gnomAD v4.1: 1 of 1,556,468 alleles (0.000064%); highest among the groups gnomAD compares: Non-Finnish European, 0.000087%; no homozygotes.

Submission:

Labcorp Genetics (formerly Invitae), Labcorp
Classification: Uncertain significance for Distal myopathy with posterior leg and anterior hand involvement; Myofibrillar myopathy 5; Hypertrophic cardiomyopathy 26. Last evaluated: 2025-02-23. Review status: criteria provided, single submitter. Criteria: Invitae Variant Classification Sherloc (09022015). Collection method: clinical testing. Allele origin: germline.
Comment: This sequence change replaces aspartic acid, which is acidic and polar, with asparagine, which is neutral and polar, at codon 790 of the FLNC protein (p.Asp790Asn). This variant is not present in population databases (gnomAD no frequency). This variant has not been reported in the literature in individuals affected with FLNC-related conditions. ClinVar contains an entry for this variant (Variation ID: 2934205). Invitae Evidence Modeling of protein sequence and biophysical properties (such as structural, functional, and spatial information, amino acid conservation, physicochemical variation, residue mobility, and thermodynamic stability) has been performed for this missense variant. However, the output from this modeling did not meet the statistical confidence thresholds required to predict the impact of this variant on FLNC protein function. In summary, the available evidence is currently insufficient to determine the role of this variant in disease. Therefore, it has been classified as a Variant of Uncertain Significance.